The following is an entry in ClinVar:

ClinVar aggregate classification (germline): Uncertain significance (1 of 4 stars; one submission).

Conditions:
ADAMTS2-related disorder. Also called: ADAMTS2-related condition.

gnomAD v4.1: 8 of 1,613,198 alleles (0.0005%); highest among the groups gnomAD compares: Middle Eastern, 0.033%; no homozygotes.

Submission:

PreventionGenetics, part of Exact Sciences
Classification: Uncertain significance for ADAMTS2-related condition. Last evaluated: 2025-10-07. Review status: criteria provided, single submitter. Criteria: ACMG Guidelines, 2015. Collection method: clinical testing. Allele origin: germline.
Comment: The ADAMTS2 c.2074G>A variant is predicted to result in the amino acid substitution p.Gly692Arg. To our knowledge, this variant has not been reported in the literature. This variant is reported in 0.0033% of alleles in individuals of South Asian descent in gnomAD. At this time, the clinical significance of this variant is uncertain due to the absence of conclusive functional and genetic evidence.

NM_014244.5(ADAMTS2):c.2074G>A (p.Gly692Arg)

Gene: ADAMTS2 (ADAM metallopeptidase with thrombospondin type 1 motif 2; minus strand). Cytogenetic location: 5q35.3.
Variant type: single nucleotide variant.
Coding change: c.2074G>A on transcript NM_014244.5 (MANE Select); coding-DNA position 2074, G replaced by A.
Protein change: p.Gly692Arg; replaces glycine 692 with arginine.
Molecular consequence: missense variant.
Genome position (GRCh38, 1-based): chr5:179,135,920, C>T on the plus strand (G>A on the coding strand, the complement: ADAMTS2 is on the minus strand). VCF-style: chr5-179135920-C-T. GRCh37 (hg19) VCF-style: chr5-178562921-C-T.
Other names: short protein forms G692R.
Identifiers: ClinVar variation 4984669 (VCV004984669.1).